The following is an entry in ClinVar:

ClinVar aggregate classification (germline): Pathogenic/Likely pathogenic. Review status: criteria provided, multiple submitters, no conflicts (2 of 4 stars). 2 submissions from 2 submitters: Pathogenic (1); Likely pathogenic (1). Last evaluated 2025-12-18.

Conditions:
Niemann-Pick disease, type C1. Also called: NEUROVISCERAL STORAGE DISEASE WITH VERTICAL SUPRANUCLEAR OPHTHALMOPLEGIA; NIEMANN-PICK DISEASE WITH CHOLESTEROL ESTERIFICATION BLOCK; NIEMANN-PICK DISEASE WITHOUT SPHINGOMYELINASE DEFICIENCY; NIEMANN-PICK DISEASE, CHRONIC NEURONOPATHIC FORM; NIEMANN-PICK DISEASE, VARIANT TYPE C1. Identifiers: Orphanet 646, MedGen C3179455, MONDO:0009757, OMIM 257220.

Submissions (2):

Natera, Inc.
Classification: Likely pathogenic for Niemann-Pick disease type C1. Last evaluated: 2025-12-18. Review status: criteria provided, single submitter. Criteria: Natera Variant Classification Schema (03/2026). Collection method: clinical testing. Allele origin: germline.
Comment: The c.155_156insT variant in NPC1 is a frameshift variant predicted to shift the reading frame beginning at codon 54 and leads to a stop codon 4 codons downstream. This variant is expected to result in nonsense mediated decay, truncation, or a dysfunctional protein product. This variant is rare in the general population with a frequency below the threshold expected for the associated phenotype(s). Given the available evidence, this variant is classified as Likely Pathogenic.

Myriad Genetics, Inc.
Classification: Pathogenic for Niemann-Pick disease, type C1. Last evaluated: 2023-08-17. Review status: criteria provided, single submitter. Criteria: Myriad Autosomal Dominant, Autosomal Recessive and X-Linked Classification Criteria (2023). Collection method: clinical testing. Allele origin: unknown.
Comment: NM_000271.4(NPC1):c.155_156insT(D54Gfs*4) is expected to be pathogenic in the context of Niemann-Pick disease type C1. This variant is predicted to lead to an abnormal or absent protein product due to the creation of a premature termination codon in NPC1, a gene where loss-of-function variants are known to be pathogenic. Please note: this variant was assessed in the context of healthy population screening.

NM_000271.5(NPC1):c.155_156insT (p.Asp54fs)

Gene: NPC1 (NPC intracellular cholesterol transporter 1; minus strand). Cytogenetic location: 18q11.2.
Variant type: Insertion.
Coding change: c.155_156insT on transcript NM_000271.5 (MANE Select); coding-DNA positions 155 to 156, T inserted.
Protein change: p.Asp54fs; shifts the reading frame from aspartic acid 54.
Molecular consequence: frameshift variant.
Genome position: GRCh38 VCF-style: chr18-23573476-T-TA. GRCh37 (hg19) VCF-style: chr18-21153440-T-TA.
Other names: short protein forms D54fs.
Identifiers: ClinVar variation 4818046 (VCV004818046.2).